The following is an entry in ClinVar:

ClinVar aggregate classification (germline): Uncertain significance. Review status: criteria provided, multiple submitters, no conflicts (2 of 4 stars). 2 submissions from 2 submitters: Uncertain significance (2). Last evaluated 2025-11-26.

Conditions:
Inborn genetic diseases. Identifiers: MedGen C0950123, MeSH D030342.

Allele frequency attached by ClinVar (database versions not stated): gnomAD 0.00005 and 0.00004; gnomAD exomes 0.00003; TOPMed 0.00004; ExAC 0.00003; 1000 Genomes Project 30x 0.00016; 1000 Genomes Project 0.00020.

Submissions (3):

Ambry Genetics
Classification: Uncertain significance for Inborn genetic diseases. Last evaluated: 2025-11-26. Review status: criteria provided, single submitter. Criteria: Ambry Variant Classification Scheme 2023. Collection method: clinical testing. Allele origin: germline.

Labcorp Genetics (formerly Invitae), Labcorp
Classification: Uncertain significance. Last evaluated: 2022-09-28. Review status: criteria provided, single submitter. Criteria: Invitae Variant Classification Sherloc (09022015). Collection method: clinical testing. Allele origin: germline.
Comment: In summary, the available evidence is currently insufficient to determine the role of this variant in disease. Therefore, it has been classified as a Variant of Uncertain Significance. Algorithms developed to predict the effect of sequence changes on RNA splicing suggest that this variant may create or strengthen a splice site. Algorithms developed to predict the effect of missense changes on protein structure and function are either unavailable or do not agree on the potential impact of this missense change (SIFT: "Deleterious"; PolyPhen-2: "Benign"; Align-GVGD: "Class C0"). ClinVar contains an entry for this variant (Variation ID: 1424298). This variant has not been reported in the literature in individuals affected with LETM1-related conditions. This variant is present in population databases (rs539912035, gnomAD 0.02%). This sequence change replaces arginine, which is basic and polar, with glutamine, which is neutral and polar, at codon 351 of the LETM1 protein (p.Arg351Gln).

Dr. Peter K. Rogan Lab, Western University
No classification provided (evidence only). Condition: Lung cancer. Review status: no classification provided. Collection method: in vitro. Allele origin: not applicable. Functional consequence: skipped exon. Not counted in ClinVar's aggregate classification.

NM_012318.3(LETM1):c.1052G>A (p.Arg351Gln)

Gene: LETM1 (leucine zipper and EF-hand containing transmembrane protein 1; minus strand). Cytogenetic location: 4p16.3.
Variant type: single nucleotide variant.
Coding change: c.1052G>A on transcript NM_012318.3 (MANE Select); coding-DNA position 1052, G replaced by A.
Protein change: p.Arg351Gln; replaces arginine 351 with glutamine.
Molecular consequence: missense variant.
Genome position (GRCh38, 1-based): chr4:1,832,772, C>T on the plus strand (G>A on the coding strand, the complement: LETM1 is on the minus strand). VCF-style: chr4-1832772-C-T. GRCh37 (hg19) VCF-style: chr4-1834499-C-T.
Other names: c.1052G>A (NM_012318.2); short protein forms R351Q.
Identifiers: ClinVar variation 1424298 (VCV001424298.8), dbSNP rs539912035, ClinGen allele CA2811443.